The following is an entry in ClinVar:

NM_000057.4(BLM):c.3574A>C (p.Thr1192Pro)

Gene: BLM (BLM RecQ like helicase; plus strand). Cytogenetic location: 15q26.1.
Variant type: single nucleotide variant.
Coding change: c.3574A>C on transcript NM_000057.4 (MANE Select); coding-DNA position 3574, A replaced by C.
Protein change: p.Thr1192Pro; replaces threonine 1192 with proline.
Molecular consequence: missense variant. On other transcripts: intron variant (1).
Genome position (GRCh38, 1-based): chr15:90,804,182, A>C. VCF-style: chr15-90804182-A-C. GRCh37 (hg19) VCF-style: chr15-91347412-A-C.
Other names: c.3574A>C, p.Thr1192Pro (NM_001287246.2); c.2449A>C, p.Thr817Pro (NM_001287248.2); c.3359-4955A>C (NM_001287247.2); short protein forms T1192P, T817P.
Identifiers: ClinVar variation 2702906 (VCV002702906.4), dbSNP rs1897232600, ClinGen allele CA393847909.

ClinVar aggregate classification (germline): Uncertain significance. Review status: criteria provided, multiple submitters, no conflicts (2 of 4 stars). 2 submissions from 2 submitters: Uncertain significance (2). Last evaluated 2025-08-25.

Conditions:
Hereditary cancer-predisposing syndrome. Also called: Hereditary neoplastic syndrome; Neoplastic Syndromes, Hereditary; Hereditary Cancer Syndrome; Tumor predisposition. Identifiers: Orphanet 140162, MedGen C0027672, MeSH D009386, MONDO:0015356.
Bloom syndrome (BLM). Also called: Bloom-Torre-Machacek syndrome. Identifiers: Orphanet 125, MedGen C0005859, MONDO:0008876, OMIM 210900.

Allele frequency attached by ClinVar (database versions not stated): gnomAD exomes below 0.00001.
gnomAD v4.1: 1 of 1,614,022 alleles (0.000062%); highest among the groups gnomAD compares: Non-Finnish European, 0.000085%; no homozygotes.

Submissions (2):

Ambry Genetics
Classification: Uncertain significance for Hereditary cancer-predisposing syndrome. Last evaluated: 2025-08-25. Review status: criteria provided, single submitter. Criteria: Ambry Variant Classification Scheme 2023. Collection method: clinical testing. Allele origin: germline.
Comment: The p.T1192P variant (also known as c.3574A>C), located in coding exon 18 of the BLM gene, results from an A to C substitution at nucleotide position 3574. The threonine at codon 1192 is replaced by proline, an amino acid with highly similar properties. This amino acid position is conserved. In addition, this alteration is predicted to be deleterious by in silico analysis. Based on the available evidence, the clinical significance of this variant remains unclear.

Labcorp Genetics (formerly Invitae), Labcorp
Classification: Uncertain significance for Bloom syndrome. Last evaluated: 2023-05-26. Review status: criteria provided, single submitter. Criteria: Invitae Variant Classification Sherloc (09022015). Collection method: clinical testing. Allele origin: germline.
Comment: In summary, the available evidence is currently insufficient to determine the role of this variant in disease. Therefore, it has been classified as a Variant of Uncertain Significance. Advanced modeling of protein sequence and biophysical properties (such as structural, functional, and spatial information, amino acid conservation, physicochemical variation, residue mobility, and thermodynamic stability) performed at Invitae indicates that this missense variant is not expected to disrupt BLM protein function. This variant has not been reported in the literature in individuals affected with BLM-related conditions. This variant is not present in population databases (gnomAD no frequency). This sequence change replaces threonine, which is neutral and polar, with proline, which is neutral and non-polar, at codon 1192 of the BLM protein (p.Thr1192Pro).